The following is an entry in ClinVar:

NM_001370259.2(MEN1):c.992A>T (p.Asn331Ile)

Gene: MEN1 (menin 1; minus strand). Cytogenetic location: 11q13.1.
Variant type: single nucleotide variant.
Coding change: c.992A>T on transcript NM_001370259.2 (MANE Select); coding-DNA position 992, A replaced by T.
Protein change: p.Asn331Ile; replaces asparagine 331 with isoleucine.
Molecular consequence: missense variant. On other transcripts: non-coding transcript variant (4).
Genome position (GRCh38, 1-based): chr11:64,806,289, T>A on the plus strand (A>T on the coding strand, the complement: MEN1 is on the minus strand). VCF-style: chr11-64806289-T-A. GRCh37 (hg19) VCF-style: chr11-64573761-T-A.
Other names: c.1007A>T, p.Asn336Ile (NM_000244.4, NM_001407145.1, NM_001407150.1 and 5 more transcripts); c.992A>T, p.Asn331Ile (NM_001370251.2, NM_001370260.2, NM_001370261.2 and 7 more transcripts); c.887A>T, p.Asn296Ile (NM_001370262.2, NM_001370263.2, NM_001407148.1 and 2 more transcripts); short protein forms N331I, N336I, N296I.
Identifiers: ClinVar variation 2626597 (VCV002626597.2), dbSNP rs2497174000, ClinGen allele CA381183290.

ClinVar aggregate classification (germline): Uncertain significance (1 of 4 stars; one submission).

Conditions:
Hereditary cancer-predisposing syndrome. Also called: Tumor predisposition; Hereditary Cancer Syndrome; Hereditary neoplastic syndrome; Neoplastic Syndromes, Hereditary. Identifiers: Orphanet 140162, MedGen C0027672, MeSH D009386, MONDO:0015356.

Submission:

Ambry Genetics
Classification: Uncertain significance for Hereditary cancer-predisposing syndrome. Last evaluated: 2023-08-14. Review status: criteria provided, single submitter. Criteria: Ambry Variant Classification Scheme 2023. Collection method: clinical testing. Allele origin: germline.
Comment: The p.N331I variant (also known as c.992A>T), located in coding exon 6 of the MEN1 gene, results from an A to T substitution at nucleotide position 992. The asparagine at codon 331 is replaced by isoleucine, an amino acid with dissimilar properties. This amino acid position is conserved. In addition, the in silico prediction for this alteration is inconclusive. Since supporting evidence is limited at this time, the clinical significance of this alteration remains unclear.